The following is an entry in ClinVar:

NM_000238.4(KCNH2):c.486del (p.Phe163fs)

Gene: KCNH2 (potassium voltage-gated channel subfamily H member 2; minus strand). Cytogenetic location: 7q36.1.
Variant type: Deletion.
Coding change: c.486del on transcript NM_000238.4 (MANE Select); coding-DNA position 486, one base deleted (C; older notation c.486delC).
Protein change: p.Phe163fs; shifts the reading frame from phenylalanine 163.
Molecular consequence: frameshift variant.
Genome position (GRCh38, 1-based): chr7:150,958,489, G deleted on the plus strand (C on the coding strand, the reverse complement: KCNH2 is on the minus strand); the first of 2 consecutive G bases (chr7:150,958,489-150,958,490); deleting either gives the same sequence. VCF-style (leftmost placement, unchanged base first): chr7-150958488-AG-A. GRCh37 (hg19) VCF-style: chr7-150655576-AG-A.
Other names: c.197delC, p.Phe67Serfs (NM_001406753.1, NM_001406756.1); c.308delC, p.Phe104Serfs (NM_001406755.1); c.185delC, p.Phe63Serfs (NM_001406757.1); c.485delC, p.Phe163Serfs (NM_172056.3); short protein forms F163fs.
Identifiers: ClinVar variation 1968946 (VCV001968946.5), dbSNP rs2486095296, ClinGen allele CA2580077708.

ClinVar aggregate classification (germline): Pathogenic (1 of 4 stars; one submission).

Conditions:
Long QT syndrome (LQTS). Identifiers: MedGen C0023976, MeSH D008133, MONDO:0002442. Disease mechanism: loss of function. Inheritance: Various modes of inheritance.

Submission:

Labcorp Genetics (formerly Invitae), Labcorp
Classification: Pathogenic for Long QT syndrome. Last evaluated: 2022-05-25. Review status: criteria provided, single submitter. Criteria: Invitae Variant Classification Sherloc (09022015). Collection method: clinical testing. Allele origin: germline.
Comment: This variant is not present in population databases (gnomAD no frequency). For these reasons, this variant has been classified as Pathogenic. This variant has not been reported in the literature in individuals affected with KCNH2-related conditions. This sequence change creates a premature translational stop signal (p.Phe163Serfs*3) in the KCNH2 gene. It is expected to result in an absent or disrupted protein product. Loss-of-function variants in KCNH2 are known to be pathogenic (PMID: 10973849, 19862833).

Literature cited by the submitters: PubMed 10973849; PubMed 19862833.